The following is an entry in ClinVar:

NM_006208.3(ENPP1):c.2086A>G (p.Thr696Ala)

Gene: ENPP1 (ectonucleotide pyrophosphatase/phosphodiesterase 1; plus strand). Cytogenetic location: 6q23.2.
Variant type: single nucleotide variant.
Coding change: c.2086A>G on transcript NM_006208.3 (MANE Select); coding-DNA position 2086, A replaced by G.
Protein change: p.Thr696Ala; replaces threonine 696 with alanine.
Molecular consequence: missense variant.
Genome position (GRCh38, 1-based): chr6:131,880,020, A>G. VCF-style: chr6-131880020-A-G. GRCh37 (hg19) VCF-style: chr6-132201160-A-G.
Other names: short protein forms T696A.
Identifiers: ClinVar variation 1951136 (VCV001951136.5), dbSNP rs962109361, ClinGen allele CA147898217.
Genomic context (GRCh38, chr6:131,880,020, plus strand): 5'-CAGCACCAGTTTATGAGTGGATACAGCCAAGACATCTTAATGCCCCTTTGGACATCCTAT[A>G]CCGTGGACAGAAATGCAAGTATTTGTCACCTCTTTATGTGTGGCCATTTCAAATTAATGA-3'
Protein context (NP_006199.2, residues 686-706): DILMPLWTSY[Thr696Ala]VDRNDSFSTE

ClinVar aggregate classification (germline): Uncertain significance (1 of 4 stars; one submission).

Allele frequency attached by ClinVar (database versions not stated): gnomAD exomes below 0.00001; gnomAD 0.00002; TOPMed 0.00002.
gnomAD v4.1: 4 of 1,613,944 alleles (0.00025%); highest among the groups gnomAD compares: African/African-American, 0.0053%; no homozygotes.

Submission:

Labcorp Genetics (formerly Invitae), Labcorp
Classification: Uncertain significance. Last evaluated: 2022-03-14. Review status: criteria provided, single submitter. Criteria: Invitae Variant Classification Sherloc (09022015). Collection method: clinical testing. Allele origin: germline.
Comment: This sequence change replaces threonine, which is neutral and polar, with alanine, which is neutral and non-polar, at codon 696 of the ENPP1 protein (p.Thr696Ala). This variant is present in population databases (no rsID available, gnomAD 0.008%). This variant has not been reported in the literature in individuals affected with ENPP1-related conditions. Algorithms developed to predict the effect of missense changes on protein structure and function are either unavailable or do not agree on the potential impact of this missense change (SIFT: "Tolerated"; PolyPhen-2: "Possibly Damaging"; Align-GVGD: "Class C0"). In summary, the available evidence is currently insufficient to determine the role of this variant in disease. Therefore, it has been classified as a Variant of Uncertain Significance.